The following is an entry in ClinVar:

ClinVar aggregate classification (germline): Uncertain significance (1 of 4 stars; one submission).

Conditions:
Autosomal dominant childhood-onset proximal spinal muscular atrophy with contractures (SMALED2A). Also called: Spinal muscular atrophy, lower extremity-predominant, 2A, autosomal dominant; SPINAL MUSCULAR ATROPHY, LOWER EXTREMITY-PREDOMINANT, 2A, CHILDHOOD ONSET, AUTOSOMAL DOMINANT. Identifiers: Orphanet 363447, Orphanet 363454, MedGen C4747715, MONDO:0014121, OMIM 615290.

Submission:

Labcorp Genetics (formerly Invitae), Labcorp
Classification: Uncertain significance for Autosomal dominant childhood-onset proximal spinal muscular atrophy with contractures. Last evaluated: 2024-06-11. Review status: criteria provided, single submitter. Criteria: Invitae Variant Classification Sherloc (09022015). Collection method: clinical testing. Allele origin: germline.
Comment: This sequence change replaces glutamic acid, which is acidic and polar, with aspartic acid, which is acidic and polar, at codon 32 of the BICD2 protein (p.Glu32Asp). This variant is not present in population databases (gnomAD no frequency). This variant has not been reported in the literature in individuals affected with BICD2-related conditions. Advanced modeling of protein sequence and biophysical properties (such as structural, functional, and spatial information, amino acid conservation, physicochemical variation, residue mobility, and thermodynamic stability) performed at Invitae indicates that this missense variant is expected to disrupt BICD2 protein function with a positive predictive value of 80%. In summary, the available evidence is currently insufficient to determine the role of this variant in disease. Therefore, it has been classified as a Variant of Uncertain Significance.

NM_001003800.2(BICD2):c.96G>C (p.Glu32Asp)

Gene: BICD2 (BICD cargo adaptor 2; minus strand). Cytogenetic location: 9q22.31.
Variant type: single nucleotide variant.
Coding change: c.96G>C on transcript NM_001003800.2 (MANE Select); coding-DNA position 96, G replaced by C.
Protein change: p.Glu32Asp; replaces glutamic acid 32 with aspartic acid.
Molecular consequence: missense variant.
Genome position (GRCh38, 1-based): chr9:92,764,649, C>G on the plus strand (G>C on the coding strand, the complement: BICD2 is on the minus strand). VCF-style: chr9-92764649-C-G. GRCh37 (hg19) VCF-style: chr9-95526931-C-G.
Other names: c.96G>C, p.Glu32Asp (NM_015250.4); short protein forms E32D.
Identifiers: ClinVar variation 3656247 (VCV003656247.2).